The following is an entry in ClinVar:

NM_001281747.2(MLIP):c.2646dup (p.Glu883fs)

Gene: MLIP (muscular LMNA interacting protein; plus strand). Cytogenetic location: 6p12.1.
Variant type: Duplication.
Coding change: c.2646dup on transcript NM_001281747.2 (MANE Select); coding-DNA position 2646, one base duplicated (A; older notation c.2646dupA).
Protein change: p.Glu883fs; shifts the reading frame from glutamic acid 883.
Molecular consequence: frameshift variant.
Genome position (GRCh38, 1-based): chr6:54,202,161, A duplicated; the last of 6 consecutive A bases (chr6:54,202,156-54,202,161); duplicating any one gives the same sequence. VCF-style (leftmost placement, unchanged base first): chr6-54202155-G-GA. GRCh37 (hg19) VCF-style: chr6-54066953-G-GA.
Other names: c.2613dup, p.Glu872fs (NM_001281746.2); c.1041dup, p.Glu348fs (NM_138569.3); short protein forms E348fs, E872fs, E883fs.
Identifiers: ClinVar variation 4990971 (VCV004990971.1).

ClinVar aggregate classification (germline): Likely pathogenic (1 of 4 stars; one submission).

Conditions:
MLIP-related disorder. Also called: MLIP-related condition.

Submission:

PreventionGenetics, part of Exact Sciences
Classification: Likely pathogenic for MLIP-related condition. Last evaluated: 2025-11-17. Review status: criteria provided, single submitter. Criteria: ACMG Guidelines, 2015. Collection method: clinical testing. Allele origin: germline.
Comment: The MLIP c.2646dupA variant is predicted to result in a frameshift and premature protein termination (p.Glu883Argfs*6). To our knowledge, this variant has not been reported in the literature or in a large population database (gnomAD), indicating this variant is rare. Frameshift variants in MLIP are expected to be pathogenic. This variant is interpreted as likely pathogenic.